The following is an entry in ClinVar:

NM_000187.4(HGD):c.1078G>C (p.Gly360Arg)

Gene: HGD (homogentisate 1,2-dioxygenase; minus strand). Cytogenetic location: 3q13.33.
Variant type: single nucleotide variant.
Coding change: c.1078G>C on transcript NM_000187.4 (MANE Select); coding-DNA position 1078, G replaced by C.
Protein change: p.Gly360Arg; replaces glycine 360 with arginine.
Molecular consequence: missense variant.
Genome position (GRCh38, 1-based): chr3:120,633,257, C>G on the plus strand (G>C on the coding strand, the complement: HGD is on the minus strand). VCF-style: chr3-120633257-C-G. GRCh37 (hg19) VCF-style: chr3-120352104-C-G.
Other names: short protein forms G360R.
Identifiers: ClinVar variation 640206 (VCV000640206.11), dbSNP rs368717991, ClinGen allele CA2559972.

ClinVar aggregate classification (germline): Pathogenic. Review status: criteria provided, multiple submitters, no conflicts (2 of 4 stars). 3 submissions from 3 submitters: Pathogenic (2). 1 of the submissions does not count toward it. Last evaluated 2023-12-04.

Conditions:
Alkaptonuria (AKU). Also called: Alcaptonuria; Homogentisic acidura; Alkaptonuric ochronosis; HOMOGENTISIC ACID OXIDASE DEFICIENCY. Identifiers: Orphanet 56, MedGen C0002066, MONDO:0008753, OMIM 203500.

Allele frequency attached by ClinVar (database versions not stated): gnomAD 0.00001; gnomAD exomes 0.00001 and 0.00002; ExAC 0.00002; TOPMed 0.00002; ESP Exome Variant Server 0.00008.
gnomAD v4.1: 25 of 1,614,020 alleles (0.0015%); highest among the groups gnomAD compares: Non-Finnish European, 0.002%; no homozygotes.

Submissions (3):

Labcorp Genetics (formerly Invitae), Labcorp
Classification: Pathogenic for Alkaptonuria. Last evaluated: 2023-12-04. Review status: criteria provided, single submitter. Criteria: Invitae Variant Classification Sherloc (09022015). Collection method: clinical testing. Allele origin: germline.
Comment: This sequence change replaces glycine, which is neutral and non-polar, with arginine, which is basic and polar, at codon 360 of the HGD protein (p.Gly360Arg). This variant is present in population databases (rs368717991, gnomAD 0.007%). This missense change has been observed in individuals with alkaptonuria (PMID: 10819641, 19306858, 19862842, 26960557). It has also been observed to segregate with disease in related individuals. ClinVar contains an entry for this variant (Variation ID: 640206). Advanced modeling of protein sequence and biophysical properties (such as structural, functional, and spatial information, amino acid conservation, physicochemical variation, residue mobility, and thermodynamic stability) performed at Invitae indicates that this missense variant is expected to disrupt HGD protein function with a positive predictive value of 80%. For these reasons, this variant has been classified as Pathogenic.

Fulgent Genetics
Classification: Pathogenic for Alkaptonuria. Last evaluated: 2021-11-06. Review status: criteria provided, single submitter. Criteria: ACMG Guidelines, 2015. Collection method: clinical testing. Allele origin: unknown.

Department Of Human Genetics, Institute Of Clinical And Translational Research, Biomedical Research Center, Slovak Academy Of Sciences
Classification: Pathogenic for Alkaptonuria. Review status: no assertion criteria provided. Collection method: research. Allele origin: germline. Inheritance: Autosomal recessive inheritance. Affected: yes. Observed: 21 variant alleles. Not counted in ClinVar's aggregate classification.
Comment: The variant was originally described in AKU patient in PMID:10819641. It has been submitted to the HGD gene mutation database (DB-ID: AKU_00095).

Literature cited by the submitters: PubMed 10819641 (cited by Labcorp Genetics (formerly Invitae), Labcorp and Department Of Human Genetics, Institute Of Clinical And Translational Research, Biomedical Research Center, Slovak Academy Of Sciences); PubMed 19306858 (cited by Labcorp Genetics (formerly Invitae), Labcorp); PubMed 19862842 (cited by Labcorp Genetics (formerly Invitae), Labcorp); PubMed 26960557 (cited by Labcorp Genetics (formerly Invitae), Labcorp).